The following is an entry in ClinVar:

ClinVar aggregate classification (germline): Uncertain significance (1 of 4 stars; one submission).

Allele frequency attached by ClinVar (database versions not stated): TOPMed below 0.00001; gnomAD exomes 0.00002.

Submission:

Labcorp Genetics (formerly Invitae), Labcorp
Classification: Uncertain significance. Last evaluated: 2022-07-05. Review status: criteria provided, single submitter. Criteria: Invitae Variant Classification Sherloc (09022015). Collection method: clinical testing. Allele origin: germline.
Comment: In summary, the available evidence is currently insufficient to determine the role of this variant in disease. Therefore, it has been classified as a Variant of Uncertain Significance. Algorithms developed to predict the effect of missense changes on protein structure and function output the following: SIFT: "Deleterious"; PolyPhen-2: "Benign"; Align-GVGD: "Class C0". The serine amino acid residue is found in multiple mammalian species, which suggests that this missense change does not adversely affect protein function. ClinVar contains an entry for this variant (Variation ID: 1434595). This variant has not been reported in the literature in individuals affected with ARHGEF18-related conditions. This variant is present in population databases (no rsID available, gnomAD 0.01%). This sequence change replaces asparagine, which is neutral and polar, with serine, which is neutral and polar, at codon 54 of the ARHGEF18 protein (p.Asn54Ser).

NM_001367823.1(ARHGEF18):c.968-243A>G

Gene: ARHGEF18 (Rho/Rac guanine nucleotide exchange factor 18; plus strand). Cytogenetic location: 19p13.2.
Variant type: single nucleotide variant.
Coding change: c.968-243A>G on transcript NM_001367823.1 (MANE Select); 243 bases into the intron before coding-DNA position 968, A replaced by G.
Molecular consequence: intron variant. On other transcripts: 5 prime UTR variant (1).
Genome position (GRCh38, 1-based): chr19:7,440,101, A>G. VCF-style: chr19-7440101-A-G. GRCh37 (hg19) VCF-style: chr19-7504987-A-G.
Other names: c.-2A>G (NM_001130955.2); c.-226-88A>G (NM_001367824.1); c.-71-243A>G (NM_015318.4).
Identifiers: ClinVar variation 1434595 (VCV001434595.8), dbSNP rs1417554690, ClinGen allele CA403093414.